The following is an entry in ClinVar:

ClinVar aggregate classification (germline): Uncertain significance (1 of 4 stars; one submission).

Conditions:
Cowden syndrome 6 (CWS6). Identifiers: Orphanet 201, MedGen C3554519, MONDO:0014048, OMIM 615109.

Submission:

Labcorp Genetics (formerly Invitae), Labcorp
Classification: Uncertain significance for Cowden syndrome 6. Last evaluated: 2019-01-02. Review status: criteria provided, single submitter. Criteria: Invitae Variant Classification Sherloc (09022015). Collection method: clinical testing. Allele origin: germline.
Comment: This variant has not been reported in the literature in individuals with AKT1-related conditions. In summary, the available evidence is currently insufficient to determine the role of this variant in disease. Therefore, it has been classified as a Variant of Uncertain Significance. Algorithms developed to predict the effect of missense changes on protein structure and function are either unavailable or do not agree on the potential impact of this missense change (SIFT: "Deleterious"; PolyPhen-2: "Probably Damaging"; Align-GVGD: "Class C0"). This variant is not present in population databases (ExAC no frequency). This sequence change replaces cysteine with tyrosine at codon 60 of the AKT1 protein (p.Cys60Tyr). The cysteine residue is highly conserved and there is a large physicochemical difference between cysteine and tyrosine.

NM_001382430.1(AKT1):c.179G>A (p.Cys60Tyr)

Gene: AKT1 (AKT serine/threonine kinase 1; minus strand). Cytogenetic location: 14q32.33.
Variant type: single nucleotide variant.
Coding change: c.179G>A on transcript NM_001382430.1 (MANE Select); coding-DNA position 179, G replaced by A.
Protein change: p.Cys60Tyr; replaces cysteine 60 with tyrosine.
Molecular consequence: missense variant.
Genome position (GRCh38, 1-based): chr14:104,776,767, C>T on the plus strand (G>A on the coding strand, the complement: AKT1 is on the minus strand). VCF-style: chr14-104776767-C-T. GRCh37 (hg19) VCF-style: chr14-105243104-C-T.
Other names: c.179G>A, p.Cys60Tyr (NM_001014431.2, NM_001014432.2, NM_001382431.1 and 3 more transcripts); short protein forms C60Y.
Identifiers: ClinVar variation 859399 (VCV000859399.9), dbSNP rs923841704, ClinGen allele CA267350804.